The following is an entry in ClinVar:

NM_004341.5(CAD):c.3662G>A (p.Arg1221His)

Gene: CAD (carbamoyl-phosphate synthetase 2, aspartate transcarbamylase, and dihydroorotase; plus strand). Cytogenetic location: 2p23.3.
Variant type: single nucleotide variant.
Coding change: c.3662G>A on transcript NM_004341.5 (MANE Select); coding-DNA position 3662, G replaced by A.
Protein change: p.Arg1221His; replaces arginine 1221 with histidine.
Molecular consequence: missense variant.
Genome position (GRCh38, 1-based): chr2:27,234,561, G>A. VCF-style: chr2-27234561-G-A. GRCh37 (hg19) VCF-style: chr2-27457429-G-A.
Other names: c.3473G>A, p.Arg1158His (NM_001306079.2); short protein forms R1158H, R1221H.
Identifiers: ClinVar variation 1495382 (VCV001495382.5), dbSNP rs1174914249, ClinGen allele CA346216168.
Genomic context (GRCh38, chr2:27,234,561, plus strand): 5'-AGTCTTCTCTGCCCCAGGATGACCAGCTGAAAGTTATTGAATGCAACGTACGTGTCTCTC[G>A]CTCCTTCCCCTTCGTTTCCAAGACACTGGGTGTGGACCTAGTAGCCTTGGCCACGCGGGT-3'
Protein context (NP_004332.2, residues 1211-1231): KVIECNVRVS[Arg1221His]SFPFVSKTLG

ClinVar aggregate classification (germline): Uncertain significance (1 of 4 stars; one submission).

Allele frequency attached by ClinVar (database versions not stated): gnomAD exomes below 0.00001.

Submission:

Labcorp Genetics (formerly Invitae), Labcorp
Classification: Uncertain significance. Last evaluated: 2021-09-24. Review status: criteria provided, single submitter. Criteria: Invitae Variant Classification Sherloc (09022015). Collection method: clinical testing. Allele origin: germline.
Comment: This sequence change replaces arginine with histidine at codon 1221 of the CAD protein (p.Arg1221His). The arginine residue is highly conserved and there is a small physicochemical difference between arginine and histidine. This variant is not present in population databases (ExAC no frequency). This variant has not been reported in the literature in individuals with CAD-related conditions. Algorithms developed to predict the effect of missense changes on protein structure and function (SIFT, PolyPhen-2, Align-GVGD) all suggest that this variant is likely to be disruptive, but these predictions have not been confirmed by published functional studies and their clinical significance is uncertain. In summary, the available evidence is currently insufficient to determine the role of this variant in disease. Therefore, it has been classified as a Variant of Uncertain Significance.